The following is an entry in ClinVar:

ClinVar aggregate classification (germline): Likely benign. Review status: reviewed by expert panel (3 of 4 stars). 2 submissions from 2 submitters: Likely benign (1). 1 of the submissions does not count toward it. Last evaluated 2025-01-15.

Conditions:
Hereditary thrombocytopenia and hematological cancer predisposition syndrome associated with RUNX1. Also called: RUNX1 Familial Platelet Disorder with Associated Myeloid Malignancies; Familial Platelet Disorder with Propensity to Acute Myelogenous Leukemia; Familial thrombocytopenia with propensity to acute myelogenous leukemia; PLATELET DISORDER, ASPIRIN-LIKE. Identifiers: Orphanet 71290, MedGen C1832388, MeSH C563324, MONDO:0100083, OMIM 601399.

Allele frequency attached by ClinVar (database versions not stated): TOPMed below 0.00001.

Submissions (2):

ClinGen Myeloid Malignancy Variant Curation Expert Panel
Classification: Likely benign for Hereditary thrombocytopenia and hematological cancer predisposition syndrome associated with RUNX1. Last evaluated: 2025-01-15. Review status: reviewed by expert panel. Criteria: ClinGen MyeloMalig ACMG Specifications v2. Collection method: curation. Allele origin: germline. Inheritance: Autosomal dominant inheritance.
Comment: NM_001754.5(RUNX1):c.97+12T>C is an intronic variant which is completely absent from all population databases with at least 20x coverage for RUNX1 (PM2_supporting). This intronic variant has a SpliceAI ∆ score ≤ 0.20 and PhyloP score <2.0 (BP4, BP7). In summary, this variant meets criteria to be classified as likely benign. ACMG/AMP criteria applied, as specified by the Myeloid Malignancy Variant Curation Expert Panel for RUNX1: PM2_supporting, BP4, BP7.

Labcorp Genetics (formerly Invitae), Labcorp
Classification: Likely benign for Hereditary thrombocytopenia and hematological cancer predisposition syndrome associated with RUNX1. Last evaluated: 2022-06-13. Review status: criteria provided, single submitter. Criteria: Invitae Variant Classification Sherloc (09022015). Collection method: clinical testing. Allele origin: germline. Not counted in ClinVar's aggregate classification.

NM_001754.5(RUNX1):c.97+12T>C

Gene: RUNX1 (RUNX family transcription factor 1; minus strand). Cytogenetic location: 21q22.12.
Variant type: single nucleotide variant.
Coding change: c.97+12T>C on transcript NM_001754.5 (MANE Select); 12 bases into the intron after coding-DNA position 97, T replaced by C.
Molecular consequence: intron variant.
Genome position (GRCh38, 1-based): chr21:34,892,913, A>G on the plus strand (T>C on the coding strand, the complement: RUNX1 is on the minus strand). VCF-style: chr21-34892913-A-G. GRCh37 (hg19) VCF-style: chr21-36265210-A-G.
Identifiers: ClinVar variation 2164084 (VCV002164084.5), dbSNP rs2734473, ClinGen allele CA320648446.
Genomic context (GRCh38, chr21:34,892,913, plus strand): 5'-AGATATAAAATCATATACACATCTATGAAGGTGTGTACTTTATTTAAAAATATAACTTGG[A>G]ATTTAACATACCGTGGACGTCTCTAGAAGGATTCATTCCAAGTATGCATTCTGAAATAAC-3'